The following is an entry in ClinVar:

NM_001375524.1(TRRAP):c.150+3A>G

Gene: TRRAP (transformation/transcription domain associated protein; plus strand). Cytogenetic location: 7q22.1.
Variant type: single nucleotide variant.
Coding change: c.150+3A>G on transcript NM_001375524.1 (MANE Select); 3 bases into the intron after coding-DNA position 150, A replaced by G.
Molecular consequence: intron variant.
Genome position (GRCh38, 1-based): chr7:98,882,027, A>G. VCF-style: chr7-98882027-A-G. GRCh37 (hg19) VCF-style: chr7-98479650-A-G.
Other names: c.150+3A>G (NM_001244580.2, NM_003496.4).
Identifiers: ClinVar variation 2827040 (VCV002827040.3), dbSNP rs2484612034, ClinGen allele CA2739277769.

ClinVar aggregate classification (germline): Uncertain significance (1 of 4 stars; one submission).

Submission:

Labcorp Genetics (formerly Invitae), Labcorp
Classification: Uncertain significance. Last evaluated: 2023-01-11. Review status: criteria provided, single submitter. Criteria: Invitae Variant Classification Sherloc (09022015). Collection method: clinical testing. Allele origin: germline.
Comment: In summary, the available evidence is currently insufficient to determine the role of this variant in disease. Therefore, it has been classified as a Variant of Uncertain Significance. Variants that disrupt the consensus splice site are a relatively common cause of aberrant splicing (PMID: 17576681, 9536098). Algorithms developed to predict the effect of sequence changes on RNA splicing suggest that this variant may disrupt the consensus splice site. This variant has not been reported in the literature in individuals affected with TRRAP-related conditions. This variant is not present in population databases (gnomAD no frequency). This sequence change falls in intron 3 of the TRRAP gene. It does not directly change the encoded amino acid sequence of the TRRAP protein. It affects a nucleotide within the consensus splice site.

Literature cited by the submitters: PubMed 17576681; PubMed 9536098.